The following is an entry in ClinVar:

ClinVar aggregate classification (germline): Uncertain significance. Review status: criteria provided, multiple submitters, no conflicts (2 of 4 stars). 2 submissions from 2 submitters: Uncertain significance (2). Last evaluated 2025-06-30.

Allele frequency attached by ClinVar (database versions not stated): gnomAD exomes below 0.00001; gnomAD 0.00001; TOPMed 0.00001.
gnomAD v4.1: 3 of 1,609,380 alleles (0.00019%); highest among the groups gnomAD compares: South Asian, 0.0011%; no homozygotes.

Submissions (2):

Labcorp Genetics (formerly Invitae), Labcorp
Classification: Uncertain significance. Last evaluated: 2025-06-30. Review status: criteria provided, single submitter. Criteria: Invitae Variant Classification Sherloc (09022015). Collection method: clinical testing. Allele origin: germline.
Comment: This sequence change replaces proline, which is neutral and non-polar, with threonine, which is neutral and polar, at codon 94 of the CEP250 protein (p.Pro94Thr). This variant is not present in population databases (gnomAD no frequency). This variant has not been reported in the literature in individuals affected with CEP250-related conditions. ClinVar contains an entry for this variant (Variation ID: 1512366). An algorithm developed to predict the effect of missense changes on protein structure and function (PolyPhen-2) suggests that this variant is likely to be tolerated. In summary, the available evidence is currently insufficient to determine the role of this variant in disease. Therefore, it has been classified as a Variant of Uncertain Significance.

Ambry Genetics
Classification: Uncertain significance. Last evaluated: 2025-06-24. Review status: criteria provided, single submitter. Criteria: Ambry Variant Classification Scheme 2023. Collection method: clinical testing. Allele origin: germline.

NM_007186.6(CEP250):c.280C>A (p.Pro94Thr)

Gene: CEP250 (centrosomal protein 250; plus strand). Cytogenetic location: 20q11.22.
Variant type: single nucleotide variant.
Coding change: c.280C>A on transcript NM_007186.6 (MANE Select); coding-DNA position 280, C replaced by A.
Protein change: p.Pro94Thr; replaces proline 94 with threonine.
Molecular consequence: missense variant. On other transcripts: 5 prime UTR variant (1).
Genome position (GRCh38, 1-based): chr20:35,465,779, C>A. VCF-style: chr20-35465779-C-A. GRCh37 (hg19) VCF-style: chr20-34053604-C-A.
Other names: c.-1620C>A (NM_001318219.1); c.280C>A (NM_007186.3); short protein forms P94T.
Identifiers: ClinVar variation 1512366 (VCV001512366.9), dbSNP rs1329786176, ClinGen allele CA408752725.